The following is an entry in ClinVar:

NM_000391.4(TPP1):c.85_86insCGTCC (p.Arg29fs)

Gene: TPP1 (tripeptidyl peptidase 1; minus strand). Cytogenetic location: 11p15.4.
Variant type: Insertion.
Coding change: c.85_86insCGTCC on transcript NM_000391.4 (MANE Select); coding-DNA positions 85 to 86, CGTCC inserted.
Protein change: p.Arg29fs; shifts the reading frame from arginine 29.
Molecular consequence: frameshift variant.
Genome position: GRCh38 VCF-style: chr11-6619199-C-CGGACG. GRCh37 (hg19) VCF-style: chr11-6640430-C-CGGACG.
Other names: short protein forms R29fs.
Identifiers: ClinVar variation 4818302 (VCV004818302.1).

ClinVar aggregate classification (germline): Likely pathogenic (1 of 4 stars; one submission).

Conditions:
Neuronal ceroid lipofuscinosis 2. Also called: JANSKY-BIELSCHOWSKY DISEASE NEURONAL CEROID LIPOFUSCINOSIS, LATE INFANTILE; TPP1-Related Neuronal Ceroid-Lipofuscinosis. Identifiers: Orphanet 168491, Orphanet 228349, Orphanet 79264, MedGen C1876161, MONDO:0008769, OMIM 204500.

Submission:

Natera, Inc.
Classification: Likely pathogenic for Neuronal ceroid lipofuscinosis 2. Last evaluated: 2026-01-18. Review status: criteria provided, single submitter. Criteria: Natera Variant Classification Schema (03/2026). Collection method: clinical testing. Allele origin: germline.
Comment: The c.85_86insCGTCC variant in TPP1 is a frameshift variant predicted to shift the reading frame beginning at codon 29 and leads to a stop codon 21 codons downstream. This variant is expected to result in nonsense mediated decay, truncation, or a dysfunctional protein product. This variant is rare in the general population with a frequency below the threshold expected for the associated phenotype(s). Given the available evidence, this variant is classified as Likely Pathogenic.